The following is an entry in ClinVar:

NM_001206744.2(TPO):c.2748G>A (p.Gln916=)

Genes: LALTOP (lung cancer associated lncRNA targeting TOP2A; minus strand), TPO (thyroid peroxidase; plus strand), LOC126806104 (CDK7 strongly-dependent group 2 enhancer GRCh37_chr2:1544276-1545475; plus strand). Cytogenetic location: 2p25.3.
Variant type: single nucleotide variant.
Coding change: c.2748G>A on transcript NM_001206744.2 (MANE Select); coding-DNA position 2748, G replaced by A.
Protein change: p.Gln916=; no amino-acid change (glutamine 916 retained).
Molecular consequence: synonymous variant.
Genome position (GRCh38, 1-based): chr2:1,540,723, G>A. VCF-style: chr2-1540723-G-A. GRCh37 (hg19) VCF-style: chr2-1544495-G-A.
Other names: c.2748G>A, p.Gln916= (NM_000547.6); c.2577G>A, p.Gln859= (NM_001206745.2, NM_175719.4); c.2616G>A, p.Gln872= (NM_175721.3); c.2229G>A, p.Gln743= (NM_175722.3).
Identifiers: ClinVar variation 3061154 (VCV003061154.3), dbSNP rs992392323, ClinGen allele CA41406463.

ClinVar aggregate classification (germline): Likely pathogenic (1 of 4 stars; one submission).

Conditions:
TPO-related disorder. Also called: TPO-related condition.

Allele frequency attached by ClinVar (database versions not stated): TOPMed 0.00002.
gnomAD v4.1: 1 of 1,613,352 alleles (0.000062%); highest among the groups gnomAD compares: Admixed American, 0.0017%; no homozygotes.

Submission:

PreventionGenetics, part of Exact Sciences
Classification: Likely pathogenic for TPO-related condition. Last evaluated: 2025-06-26. Review status: criteria provided, single submitter. Criteria: ACMG Guidelines, 2015. Collection method: clinical testing. Allele origin: germline.
Comment: The TPO c.2748G>A variant is not predicted to result in an amino acid change (p.=). This variant was reported in the compound heterozygous state in siblings presenting with congenital hypothyroidism (Family 10, Rodrigues et al 2005. PubMed ID: 15745925). This variant impacts the last nucleotide of exon 16 and is predicted to alter splicing based on available splicing prediction programs (Alamut Visual Plus v1.6.1; SpliceAI, Jaganathan et al. 2019. PubMed ID: 30661751). This variant has not been reported in gnomAD, indicating this variant is rare. Taken together, this variant is interpreted as likely pathogenic.